The following is an entry in ClinVar:

NM_005228.5(EGFR):c.2586G>A (p.Leu862=)

Gene: EGFR (epidermal growth factor receptor; plus strand). Cytogenetic location: 7p11.2.
Variant type: single nucleotide variant.
Coding change: c.2586G>A on transcript NM_005228.5 (MANE Select); coding-DNA position 2586, G replaced by A.
Protein change: p.Leu862=; no amino-acid change (leucine 862 retained).
Molecular consequence: synonymous variant.
Genome position (GRCh38, 1-based): chr7:55,191,835, G>A. VCF-style: chr7-55191835-G-A. GRCh37 (hg19) VCF-style: chr7-55259528-G-A.
Other names: c.2451G>A, p.Leu817= (NM_001346897.2, NM_001346899.2); c.2586G>A, p.Leu862= (NM_001346898.2); c.2427G>A, p.Leu809= (NM_001346900.2); c.1785G>A, p.Leu595= (NM_001346941.2).
Identifiers: ClinVar variation 3773447 (VCV003773447.1).

ClinVar aggregate classification (germline): Benign (1 of 4 stars; one submission).

Conditions:
Lung cancer. Also called: Lung cancer, somatic; Malignant tumor of lung. Identifiers: MedGen C0242379, MONDO:0008903, OMIM 211980.

gnomAD v4.1: 1 of 1,614,074 alleles (0.000062%); highest among the groups gnomAD compares: South Asian, 0.0011%; no homozygotes.

Submission:

Myriad Genetics, Inc.
Classification: Benign for Lung cancer. Last evaluated: 2024-10-17. Review status: criteria provided, single submitter. Criteria: Myriad Autosomal Dominant, Autosomal Recessive and X-Linked Classification Criteria (2023). Collection method: clinical testing. Allele origin: unknown.
Comment: This variant is considered benign. This variant is a silent/synonymous amino acid change and it is not expected to impact splicing.